The following is an entry in ClinVar:

ClinVar aggregate classification (germline): Uncertain significance. Review status: criteria provided, multiple submitters, no conflicts (2 of 4 stars). 2 submissions from 2 submitters: Uncertain significance (2). Last evaluated 2023-01-14.

Conditions:
Hereditary cancer-predisposing syndrome. Also called: Hereditary neoplastic syndrome; Neoplastic Syndromes, Hereditary; Hereditary Cancer Syndrome; Tumor predisposition. Identifiers: Orphanet 140162, MedGen C0027672, MeSH D009386, MONDO:0015356.
Gastrointestinal stromal tumor. Also called: Gastrointestinal stromal tumor, somatic; Gastrointestinal stroma tumor. Identifiers: Orphanet 44890, MedGen C0238198, MeSH D046152, MONDO:0011719, OMIM 606764, HP:0100723.

gnomAD v4.1: 1 of 1,608,540 alleles (0.000062%); no homozygotes.

Submissions (2):

Labcorp Genetics (formerly Invitae), Labcorp
Classification: Uncertain significance for Gastrointestinal stromal tumor. Last evaluated: 2023-01-14. Review status: criteria provided, single submitter. Criteria: Invitae Variant Classification Sherloc (09022015). Collection method: clinical testing. Allele origin: germline.
Comment: This sequence change replaces glutamic acid, which is acidic and polar, with lysine, which is basic and polar, at codon 376 of the KIT protein (p.Glu376Lys). In summary, the available evidence is currently insufficient to determine the role of this variant in disease. Therefore, it has been classified as a Variant of Uncertain Significance. Algorithms developed to predict the effect of missense changes on protein structure and function output the following: SIFT: "Deleterious"; PolyPhen-2: "Benign"; Align-GVGD: "Class C15". The lysine amino acid residue is found in multiple mammalian species, which suggests that this missense change does not adversely affect protein function. ClinVar contains an entry for this variant (Variation ID: 959637). This variant has not been reported in the literature in individuals affected with KIT-related conditions. This variant is not present in population databases (gnomAD no frequency).

Ambry Genetics
Classification: Uncertain significance for Hereditary cancer-predisposing syndrome. Last evaluated: 2021-10-20. Review status: criteria provided, single submitter. Criteria: Ambry Variant Classification Scheme 2023. Collection method: clinical testing. Allele origin: germline.
Comment: The p.E376K variant (also known as c.1126G>A), located in coding exon 7 of the KIT gene, results from a G to A substitution at nucleotide position 1126. The glutamic acid at codon 376 is replaced by lysine, an amino acid with similar properties. This amino acid position is conserved. In addition, this alteration is predicted to be tolerated by in silico analysis. Since supporting evidence is limited at this time, the clinical significance of this alteration remains unclear.

NM_000222.3(KIT):c.1126G>A (p.Glu376Lys)

Gene: KIT (KIT proto-oncogene, receptor tyrosine kinase; plus strand). Cytogenetic location: 4q12.
Variant type: single nucleotide variant.
Coding change: c.1126G>A on transcript NM_000222.3 (MANE Select); coding-DNA position 1126, G replaced by A.
Protein change: p.Glu376Lys; replaces glutamic acid 376 with lysine.
Molecular consequence: missense variant.
Genome position (GRCh38, 1-based): chr4:54,709,434, G>A. VCF-style: chr4-54709434-G-A. GRCh37 (hg19) VCF-style: chr4-55575600-G-A.
Other names: c.1126G>A, p.Glu376Lys (NM_001093772.2, NM_001385285.1, NM_001385286.1); c.1129G>A, p.Glu377Lys (NM_001385284.1, NM_001385288.1, NM_001385290.1 and 1 more transcripts); short protein forms E376K, E377K.
Identifiers: ClinVar variation 959637 (VCV000959637.12), dbSNP rs1720997965, ClinGen allele CA356902033.